The following is an entry in ClinVar:

ClinVar aggregate classification (germline): Pathogenic. Review status: criteria provided, multiple submitters, no conflicts (2 of 4 stars). 4 submissions from 4 submitters: Pathogenic (3). 1 of the submissions does not count toward it. Last evaluated 2025-09-09.

Conditions:
Hereditary cancer-predisposing syndrome. Also called: Tumor predisposition; Hereditary neoplastic syndrome; Hereditary Cancer Syndrome; Neoplastic Syndromes, Hereditary. Identifiers: Orphanet 140162, MedGen C0027672, MeSH D009386, MONDO:0015356.
Familial cancer of breast. Also called: hereditary breast carcinoma; BREAST CANCER, FAMILIAL; Hereditary breast cancer. Identifiers: Orphanet 227535, MedGen C0346153, MONDO:0016419, OMIM 114480. Disease mechanism: loss of function.
Gastric cancer. Also called: Stomach cancer; Malignant tumor of stomach. Identifiers: MedGen C0024623, MeSH D013274, MONDO:0001056, OMIM 613659, HP:0012126.

Allele frequency attached by ClinVar (database versions not stated): TOPMed 0.00001.

Submissions (4):

Ambry Genetics
Classification: Pathogenic for Hereditary cancer-predisposing syndrome. Last evaluated: 2025-09-09. Review status: criteria provided, single submitter. Criteria: Ambry Variant Classification Scheme 2023. Collection method: clinical testing. Allele origin: germline.
Comment: The p.Q615* pathogenic mutation (also known as c.1843C>T), located in coding exon 9 of the BARD1 gene, results from a C to T substitution at nucleotide position 1843. This changes the amino acid from a glutamine to a stop codon within coding exon 9. This variant is considered to be rare based on population cohorts in the Genome Aggregation Database (gnomAD). This alteration is expected to result in loss of function by premature protein truncation or nonsense-mediated mRNA decay. As such, this alteration is interpreted as a disease-causing mutation.

Labcorp Genetics (formerly Invitae), Labcorp
Classification: Pathogenic for Familial cancer of breast. Last evaluated: 2024-07-30. Review status: criteria provided, single submitter. Criteria: Invitae Variant Classification Sherloc (09022015). Collection method: clinical testing. Allele origin: germline.
Comment: This sequence change creates a premature translational stop signal (p.Gln615*) in the BARD1 gene. It is expected to result in an absent or disrupted protein product. Loss-of-function variants in BARD1 are known to be pathogenic (PMID: 20077502, 21344236). This variant is not present in population databases (gnomAD no frequency). This variant has not been reported in the literature in individuals affected with BARD1-related conditions. ClinVar contains an entry for this variant (Variation ID: 481388). Algorithms developed to predict the effect of sequence changes on RNA splicing suggest that this variant may disrupt the consensus splice site. For these reasons, this variant has been classified as Pathogenic.

Myriad Genetics, Inc.
Classification: Pathogenic for Familial cancer of breast. Last evaluated: 2023-05-24. Review status: criteria provided, single submitter. Criteria: Myriad Autosomal Dominant, Autosomal Recessive and X-Linked Classification Criteria (2023). Collection method: clinical testing. Allele origin: unknown.
Comment: This variant is considered pathogenic. This variant creates a termination codon and is predicted to result in premature protein truncation.

Laboratory for Genotyping Development, RIKEN
Classification: Pathogenic for Gastric cancer. Last evaluated: 2021-07-01. Review status: no assertion criteria provided. Collection method: research. Allele origin: germline. Not counted in ClinVar's aggregate classification.

Literature cited by the submitters: PubMed 20077502 (cited by Labcorp Genetics (formerly Invitae), Labcorp); PubMed 21344236 (cited by Labcorp Genetics (formerly Invitae), Labcorp); PubMed 36988593 (cited by Laboratory for Genotyping Development, RIKEN).

NM_000465.4(BARD1):c.1843C>T (p.Gln615Ter)

Gene: BARD1 (BRCA1 associated RING domain 1; minus strand). Cytogenetic location: 2q35.
Variant type: single nucleotide variant.
Coding change: c.1843C>T on transcript NM_000465.4 (MANE Select); coding-DNA position 1843, C replaced by T.
Protein change: p.Gln615Ter; replaces glutamine 615 with a stop codon.
Molecular consequence: nonsense. On other transcripts: non-coding transcript variant (3), intron variant (1).
Genome position (GRCh38, 1-based): chr2:214,745,127, G>A on the plus strand (C>T on the coding strand, the complement: BARD1 is on the minus strand). VCF-style: chr2-214745127-G-A. GRCh37 (hg19) VCF-style: chr2-215609851-G-A.
Other names: c.1786C>T, p.Gln596Ter (NM_001282543.2); c.490C>T, p.Gln164Ter (NM_001282545.2); c.433C>T, p.Gln145Ter (NM_001282548.2); c.365-14619C>T (NM_001282549.2); short protein forms Q615*, Q145*, Q596*, Q164*.
Identifiers: ClinVar variation 481388 (VCV000481388.32), dbSNP rs751710099, ClinGen allele CA350452236.
Genomic context (GRCh38, chr2:214,745,127, plus strand): 5'-ATTCAAATTTTAGAATCCAGCATCCATTGAGAATCCCAAGCATACACTTCAAGGTACTTT[G>A]AACTGCATCACCAGGAACAACAACATGAGTTACTAAAATACAAAAAAAGCAGTAAGAGAA-3'